The following is an entry in ClinVar:

ClinVar aggregate classification (germline): Uncertain significance (1 of 4 stars; one submission).

Conditions:
Wilson disease (WND). Also called: Wilson's disease. Identifiers: Orphanet 905, MedGen C0019202, MONDO:0010200, OMIM 277900. Disease mechanism: loss of function.

gnomAD v4.1: 1 of 1,613,894 alleles (0.000062%); highest among the groups gnomAD compares: African/African-American, 0.0013%; no homozygotes.

Submission:

Color Diagnostics, LLC DBA Color Health
Classification: Uncertain significance for Wilson disease. Last evaluated: 2025-09-01. Review status: criteria provided, single submitter. Criteria: ACMG Guidelines, 2015. Collection method: clinical testing. Allele origin: germline.
Comment: This missense variant replaces cysteine with tyrosine at codon 268 of the ATP7B protein. Computational prediction suggests that this variant may have deleterious impact on protein structure and function. To our knowledge, functional studies have not been reported for this variant. This variant has not been reported in individuals affected with ATP7B-related disorders in the literature. This variant has not been identified in the general population by the Genome Aggregation Database (gnomAD). The available evidence is insufficient to determine the role of this variant in disease conclusively. Therefore, this variant is classified as a Variant of Uncertain Significance.

NM_000053.4(ATP7B):c.803G>A (p.Cys268Tyr)

Gene: ATP7B (ATPase copper transporting beta; minus strand). Cytogenetic location: 13q14.3.
Variant type: single nucleotide variant.
Coding change: c.803G>A on transcript NM_000053.4 (MANE Select); coding-DNA position 803, G replaced by A.
Protein change: p.Cys268Tyr; replaces cysteine 268 with tyrosine.
Molecular consequence: missense variant. On other transcripts: splice donor variant (2).
Genome position (GRCh38, 1-based): chr13:51,974,417, C>T on the plus strand (G>A on the coding strand, the complement: ATP7B is on the minus strand). VCF-style: chr13-51974417-C-T. GRCh37 (hg19) VCF-style: chr13-52548553-C-T.
Other names: c.803G>A, p.Cys268Tyr (NM_001406526.1, NM_001406527.1, NM_001406528.1 and 29 more transcripts); c.707G>A, p.Cys236Tyr (NM_001406530.1, NM_001406536.1, NM_001406517.1 and 3 more transcripts); c.802+1G>A (NM_001243182.2); c.706+1G>A (NM_001406539.1); short protein forms C236Y, C268Y.
Identifiers: ClinVar variation 4756283 (VCV004756283.1).
Genomic context (GRCh38, chr13:51,974,417, plus strand): 5'-ATACTTTGAACCCCTAGGAGCTGGCCAATATTTTCTTCAATATTCAAGACGCAAGACTTA[C>T]AATGCATTCCATCTATTCTCAGTTGGAGGGTGACCACATGGCTTCCTTGGTGCCCCAAGG-3'
Protein context (NP_000044.2, residues 258-278): TLQLRIDGMH[Cys268Tyr]KSCVLNIEEN